The following is an entry in ClinVar:

ClinVar aggregate classification (germline): Uncertain significance (1 of 4 stars; one submission).

Conditions:
Agammaglobulinemia 7, autosomal recessive (AGM7). Also called: AGAMMAGLOBULINEMIA, AUTOSOMAL RECESSIVE, DUE TO PIK3R1 DEFECT. Identifiers: MedGen C3554689, MONDO:0014083, OMIM 615214.
Immunodeficiency 36 with lymphoproliferation. Also called: Immunodeficiency 36; ACTIVATED PI3K-DELTA SYNDROME 2; Activated PI3K Delta Syndrome Type 2 (APDS2). Identifiers: Orphanet 397596, Orphanet 693681, MedGen C4014934, MONDO:0014453, OMIM 616005.
SHORT syndrome. Also called: SHORT STATURE, HYPEREXTENSIBILITY, HERNIA, OCULAR DEPRESSION, RIEGER ANOMALY, AND TEETHING DELAY; LIPODYSTROPHY, PARTIAL, WITH RIEGER ANOMALY AND SHORT STATURE; PIK3R1-Related SHORT Syndrome. Identifiers: Orphanet 3163, MedGen C0878684, MONDO:0010026, OMIM 269880.

gnomAD v4.1: 8 of 1,614,024 alleles (0.0005%); highest among the groups gnomAD compares: Admixed American, 0.013%; no homozygotes.

Submission:

Labcorp Genetics (formerly Invitae), Labcorp
Classification: Uncertain significance for SHORT syndrome; Immunodeficiency 36 with lymphoproliferation; Agammaglobulinemia 7, autosomal recessive. Last evaluated: 2025-01-06. Review status: criteria provided, single submitter. Criteria: Invitae Variant Classification Sherloc (09022015). Collection method: clinical testing. Allele origin: germline.
Comment: This sequence change replaces proline, which is neutral and non-polar, with serine, which is neutral and polar, at codon 94 of the PIK3R1 protein (p.Pro94Ser). This variant is present in population databases (rs752683495, gnomAD 0.02%). This variant has not been reported in the literature in individuals affected with PIK3R1-related conditions. An algorithm developed to predict the effect of missense changes on protein structure and function (PolyPhen-2) suggests that this variant is likely to be disruptive. In summary, the available evidence is currently insufficient to determine the role of this variant in disease. Therefore, it has been classified as a Variant of Uncertain Significance.

NM_181523.3(PIK3R1):c.280C>T (p.Pro94Ser)

Gene: PIK3R1 (phosphoinositide-3-kinase regulatory subunit 1; plus strand). Cytogenetic location: 5q13.1.
Variant type: single nucleotide variant.
Coding change: c.280C>T on transcript NM_181523.3 (MANE Select); coding-DNA position 280, C replaced by T.
Protein change: p.Pro94Ser; replaces proline 94 with serine.
Molecular consequence: missense variant.
Genome position (GRCh38, 1-based): chr5:68,226,955, C>T. VCF-style: chr5-68226955-C-T. GRCh37 (hg19) VCF-style: chr5-67522783-C-T.
Other names: short protein forms P94S.
Identifiers: ClinVar variation 3758590 (VCV003758590.2).
Genomic context (GRCh38, chr5:68,226,955, plus strand): 5'-GTAGAATATATTGGAAGGAAAAAAATCTCGCCTCCCACACCAAAGCCCCGGCCACCTCGG[C>T]CTCTTCCTGTTGCACCAGGTTCTTCGAAAACTGAAGCAGATGTTGAACAACAAGGTCAGT-3'
Protein context (NP_852664.1, residues 84-104): PPTPKPRPPR[Pro94Ser]LPVAPGSSKT